The following is an entry in ClinVar:

NM_003966.3(SEMA5A):c.2769G>T (p.Leu923=)

Gene: SEMA5A (semaphorin 5A; minus strand). Cytogenetic location: 5p15.31.
Variant type: single nucleotide variant.
Coding change: c.2769G>T on transcript NM_003966.3 (MANE Select); coding-DNA position 2769, G replaced by T.
Protein change: p.Leu923=; no amino-acid change (leucine 923 retained).
Molecular consequence: synonymous variant.
Genome position (GRCh38, 1-based): chr5:9,051,949, C>A on the plus strand (G>T on the coding strand, the complement: SEMA5A is on the minus strand). VCF-style: chr5-9051949-C-A. GRCh37 (hg19) VCF-style: chr5-9052061-C-A.
Identifiers: ClinVar variation 3388045 (VCV003388045.14).

ClinVar aggregate classification (germline): Likely benign (1 of 4 stars; one submission).

gnomAD v4.1: 882 of 1,614,054 alleles (0.055%); highest among the groups gnomAD compares: Non-Finnish European, 0.058%; 2 homozygotes.

Submission:

CeGaT Center for Human Genetics Tuebingen
Classification: Likely benign. Last evaluated: 2024-09-01. Review status: criteria provided, single submitter. Criteria: CeGaT Center For Human Genetics Tuebingen Variant Classification Criteria Version 2. Collection method: clinical testing. Allele origin: germline. Affected: yes. Observed: 1 variant allele.
Comment: SEMA5A: BP4, BP7